The following is an entry in ClinVar:

ClinVar aggregate classification (germline): Likely benign (0 of 4 stars; one submission).

Conditions:
PLXNA4-related disorder. Also called: PLXNA4-related condition.

Allele frequency attached by ClinVar (database versions not stated): ExAC 0.00006; gnomAD 0.00014; ESP Exome Variant Server 0.00038.
gnomAD v4.1: 44 of 1,613,820 alleles (0.0027%); highest among the groups gnomAD compares: African/African-American, 0.04%; no homozygotes.

Submission:

PreventionGenetics, part of Exact Sciences
Classification: Likely benign for PLXNA4-related condition. Last evaluated: 2022-06-28. Review status: no assertion criteria provided. Collection method: clinical testing. Allele origin: germline.
Comment: This variant is classified as likely benign based on ACMG/AMP sequence variant interpretation guidelines (Richards et al. 2015 PMID: 25741868, with internal and published modifications).

NM_020911.2(PLXNA4):c.4176C>T (p.Thr1392=)

Gene: PLXNA4 (plexin A4; minus strand). Cytogenetic location: 7q32.3.
Variant type: single nucleotide variant.
Coding change: c.4176C>T on transcript NM_020911.2 (MANE Select); coding-DNA position 4176, C replaced by T.
Protein change: p.Thr1392=; no amino-acid change (threonine 1392 retained).
Molecular consequence: synonymous variant.
Genome position (GRCh38, 1-based): chr7:132,168,414, G>A on the plus strand (C>T on the coding strand, the complement: PLXNA4 is on the minus strand). VCF-style: chr7-132168414-G-A. GRCh37 (hg19) VCF-style: chr7-131853173-G-A.
Other names: c.4176C>T, p.Thr1392= (NM_001393897.1).
Identifiers: ClinVar variation 3036239 (VCV003036239.2), dbSNP rs369419660, ClinGen allele CA4489262.